The following is an entry in ClinVar:

NM_152703.5(SAMD9L):c.1451T>C (p.Ile484Thr)

Gene: SAMD9L (sterile alpha motif domain containing 9 like; minus strand). Cytogenetic location: 7q21.2.
Variant type: single nucleotide variant.
Coding change: c.1451T>C on transcript NM_152703.5 (MANE Select); coding-DNA position 1451, T replaced by C.
Protein change: p.Ile484Thr; replaces isoleucine 484 with threonine.
Molecular consequence: missense variant.
Genome position (GRCh38, 1-based): chr7:93,134,521, A>G on the plus strand (T>C on the coding strand, the complement: SAMD9L is on the minus strand). VCF-style: chr7-93134521-A-G. GRCh37 (hg19) VCF-style: chr7-92763834-A-G.
Other names: c.1451T>C, p.Ile484Thr (NM_001303496.3, NM_001303497.3, NM_001303498.3 and 5 more transcripts); short protein forms I484T.
Identifiers: ClinVar variation 4826176 (VCV004826176.1).
Genomic context (GRCh38, chr7:93,134,521, plus strand): 5'-AGGTCTGATCTGCCGTTGCAGAAAATCCAGCTGGGCTGTTGGTAAAGATTAAGAGTAGAA[A>G]TCTTCTCCCACATGTTAGTTGTCTTGTCTTCATATTGATTTGGAAAGTGAAGGTTTGCCA-3'
Protein context (NP_689916.2, residues 474-494): EDKTTNMWEK[Ile484Thr]STLNLYQQPS

ClinVar aggregate classification (germline): Uncertain significance (1 of 4 stars; one submission).

Conditions:
Inborn genetic diseases. Identifiers: MedGen C0950123, MeSH D030342.

Submission:

Ambry Genetics
Classification: Uncertain significance for Inborn genetic diseases. Last evaluated: 2026-02-25. Review status: criteria provided, single submitter. Criteria: Ambry Variant Classification Scheme 2023. Collection method: clinical testing. Allele origin: germline.
Comment: The p.I484T variant (also known as c.1451T>C), located in coding exon 1 of the SAMD9L gene, results from a T to C substitution at nucleotide position 1451. The isoleucine at codon 484 is replaced by threonine, an amino acid with similar properties. This amino acid position is conserved. In addition, this alteration is predicted to be tolerated by in silico analysis. Based on the available evidence, the clinical significance of this variant remains unclear.